The following is an entry in ClinVar:

ClinVar aggregate classification (germline): Uncertain significance (1 of 4 stars; one submission).

Conditions:
Cardiomyopathy (CMYO). Also called: Cardiomyopathies. Identifiers: Orphanet 167848, MedGen C0878544, MONDO:0004994, HP:0001638. Inheritance: Various modes of inheritance.

gnomAD v4.1: 4 of 1,600,280 alleles (0.00025%); highest among the groups gnomAD compares: Admixed American, 0.0017%; no homozygotes.

Submission:

Color Diagnostics, LLC DBA Color Health
Classification: Uncertain significance for Cardiomyopathy. Last evaluated: 2025-08-17. Review status: criteria provided, single submitter. Criteria: ACMG Guidelines, 2015. Collection method: clinical testing. Allele origin: germline.
Comment: This missense variant replaces asparagine with threonine at codon 34 of the DSC2 protein. Computational prediction suggests that this variant may not impact protein structure and function. To our knowledge, functional studies have not been reported for this variant. This variant has not been reported in individuals affected with DSC2-related disorders in the literature. This variant has not been identified in the general population by the Genome Aggregation Database (gnomAD). The available evidence is insufficient to determine the role of this variant in disease conclusively. Therefore, this variant is classified as a Variant of Uncertain Significance.

NM_024422.6(DSC2):c.101A>C (p.Asn34Thr)

Gene: DSC2 (desmocollin 2; minus strand). Cytogenetic location: 18q12.1.
Variant type: single nucleotide variant.
Coding change: c.101A>C on transcript NM_024422.6 (MANE Select); coding-DNA position 101, A replaced by C.
Protein change: p.Asn34Thr; replaces asparagine 34 with threonine.
Molecular consequence: missense variant. On other transcripts: 5 prime UTR variant (2).
Genome position (GRCh38, 1-based): chr18:31,093,612, T>G on the plus strand (A>C on the coding strand, the complement: DSC2 is on the minus strand). VCF-style: chr18-31093612-T-G. GRCh37 (hg19) VCF-style: chr18-28673575-T-G.
Other names: c.-329A>C (NM_001406506.1, NM_001406507.1); c.101A>C, p.Asn34Thr (NM_004949.5); short protein forms N34T.
Identifiers: ClinVar variation 4756205 (VCV004756205.1).